The following is an entry in ClinVar:

ClinVar aggregate classification (germline): Uncertain significance (1 of 4 stars; one submission).

Conditions:
Inborn genetic diseases. Identifiers: MedGen C0950123, MeSH D030342.

Submission:

Ambry Genetics
Classification: Uncertain significance for Inborn genetic diseases. Last evaluated: 2022-03-01. Review status: criteria provided, single submitter. Criteria: Ambry Variant Classification Scheme 2023. Collection method: clinical testing. Allele origin: germline.
Comment: The p.M67R variant (also known as c.200T>G), located in coding exon 3 of the ATR gene, results from a T to G substitution at nucleotide position 200. The methionine at codon 67 is replaced by arginine, an amino acid with similar properties. This amino acid position is conserved. In addition, the in silico prediction for this alteration is inconclusive. Since supporting evidence is limited at this time, the clinical significance of this alteration remains unclear.

NM_001184.4(ATR):c.200T>G (p.Met67Arg)

Gene: ATR (ATR checkpoint kinase; minus strand). Cytogenetic location: 3q23.
Variant type: single nucleotide variant.
Coding change: c.200T>G on transcript NM_001184.4 (MANE Select); coding-DNA position 200, T replaced by G.
Protein change: p.Met67Arg; replaces methionine 67 with arginine.
Molecular consequence: missense variant.
Genome position (GRCh38, 1-based): chr3:142,566,213, A>C on the plus strand (T>G on the coding strand, the complement: ATR is on the minus strand). VCF-style: chr3-142566213-A-C. GRCh37 (hg19) VCF-style: chr3-142285055-A-C.
Other names: c.200T>G, p.Met67Arg (NM_001354579.2); short protein forms M67R.
Identifiers: ClinVar variation 1784391 (VCV001784391.2), dbSNP rs2473440424, ClinGen allele CA354828611.